The following is an entry in ClinVar:

ClinVar aggregate classification (germline): Conflicting classifications of pathogenicity. Review status: criteria provided, conflicting classifications (1 of 4 stars). 3 submissions from 3 submitters: Uncertain significance (2); Benign (1). Last evaluated 2025-07-08.

Conditions:
Oto-palato-digital syndrome, type II (OPD2). Also called: Otopalatodigital Syndrome, Type II; FACIOPALATOOSSEOUS SYNDROME; OPD II SYNDROME; Otopalatodigital Syndrome Type 2 (FLNA-OPD2). Identifiers: Orphanet 669, Orphanet 90652, MedGen C1844696, MONDO:0010571, OMIM 304120.
Frontometaphyseal dysplasia (FMD1). Identifiers: Orphanet 1826, MedGen C0265293, MONDO:0015942.
Heterotopia, periventricular, X-linked dominant (PVNH1). Also called: PERIVENTRICULAR NODULAR HETEROTOPIA 1; X-linked periventricular heterotopia; PERIVENTRICULAR NODULAR HETEROTOPIA 4; HETEROTOPIA, PERIVENTRICULAR, 1. Identifiers: Orphanet 2149, Orphanet 82004, MedGen C1848213, MONDO:0010233, OMIM 300049.
Melnick-Needles syndrome (MNS). Also called: MELNICK-NEEDLES OSTEODYSPLASTY; OSTEODYSPLASTY OF MELNICK AND NEEDLES; Melnick-Needles Syndrome (FLNA-MNS). Identifiers: Orphanet 2484, MedGen C0025237, MONDO:0010650, OMIM 309350.
Cardiac valvular dysplasia, X-linked (CVDPX). Also called: MYXOMATOUS VALVULAR DYSTROPHY, X-LINKED; FLNA-Related X-linked Cardiac Valvular Dysplasia; VALVULAR HEART DISEASE, CONGENITAL; Congenital valvular dysplasia; Isolated X-Linked Cardiac Valvular Dysplasia. Identifiers: Orphanet 1864, Orphanet 555877, Orphanet 75497, MedGen C0262436, MONDO:0010753, OMIM 314400.
Oto-palato-digital syndrome, type I (OPD1). Also called: Otopalatodigital Syndrome, Type I; OPD I SYNDROME; OPD SYNDROME 1; Otopalatodigital Syndrome Type 1 (FLNA-OPD1); Taybi syndrome. Identifiers: Orphanet 669, Orphanet 90650, MedGen C0265251, MONDO:0010704, OMIM 311300.
Intestinal pseudoobstruction, neuronal, chronic idiopathic, X-linked (CIIPX). Also called: CONGENITAL IDIOPATHIC INTESTINAL PSEUDOOBSTRUCTION; INTESTINAL PSEUDOOBSTRUCTION, NEURONAL, CHRONIC IDIOPATHIC, WITH CENTRAL NERVOUS SYSTEM INVOLVEMENT; FLNA-Related Periventricular Nodular Heterotopia (FLNA-Related PVNH; Huttenlocher Syndrome). Identifiers: Orphanet 2301, MedGen C2746068, MONDO:0010232, OMIM 300048.
FG syndrome 2 (FGS2). Identifiers: MedGen C1845902, MONDO:0010297, OMIM 300321.
Terminal osseous dysplasia-pigmentary defects syndrome. Also called: ODPD; TERMINAL OSSEOUS DYSPLASIA AND PIGMENTARY DEFECTS; ODPF SYNDROME; OSSEOUS DYSPLASIA, DIGITAL, WITH FACIAL PIGMENTARY DEFECTS AND MULTIPLE FRENULA; Terminal Osseous Dysplasia (FLNA-TOD). Identifiers: Orphanet 88630, MedGen C1846129, MONDO:0010279, OMIM 300244.
Frontometaphyseal dysplasia 1 (FMD1). Also called: Frontometaphyseal Dysplasia (FLNA-FMD). Identifiers: Orphanet 1826, MedGen C4281559, MONDO:0024550, OMIM 305620.

Allele frequency attached by ClinVar (database versions not stated): gnomAD 0.00001; TOPMed 0.00001; gnomAD exomes 0.00002 and 0.00004; ExAC 0.00006; ESP Exome Variant Server 0.00010.
gnomAD v4.1: 17 of 1,209,695 alleles (0.0014%); highest among the groups gnomAD compares: African/African-American, 0.0052%; no homozygotes.

Submissions (3):

Labcorp Genetics (formerly Invitae), Labcorp
Classification: Benign for Oto-palato-digital syndrome, type II; Heterotopia, periventricular, X-linked dominant; Frontometaphyseal dysplasia; Melnick-Needles syndrome. Last evaluated: 2025-07-08. Review status: criteria provided, single submitter. Criteria: Invitae Variant Classification Sherloc (09022015). Collection method: clinical testing. Allele origin: germline.

Fulgent Genetics
Classification: Uncertain significance for Intestinal pseudoobstruction, neuronal, chronic idiopathic, X-linked; Heterotopia, periventricular, X-linked dominant; Terminal osseous dysplasia-pigmentary defects syndrome; FG syndrome 2; Oto-palato-digital syndrome, type II; Frontometaphyseal dysplasia 1; Melnick-Needles syndrome; Oto-palato-digital syndrome, type I; Cardiac valvular dysplasia, X-linked. Last evaluated: 2021-09-24. Review status: criteria provided, single submitter. Criteria: ACMG Guidelines, 2015. Collection method: clinical testing. Allele origin: unknown.

GeneDx
Classification: Uncertain significance. Last evaluated: 2015-04-16. Review status: criteria provided, single submitter. Criteria: GeneDx Variant Classification (06012015). Collection method: clinical testing. Allele origin: germline. Affected: yes.
Comment: The V804I variant in the FLNA gene has not been published as a mutation, nor has it been reported as a benign polymorphism to our knowledge. The V804I variant was not observed at any significant frequency in approximately 5000 individuals of European and African American ancestry in the NHLBI Exome Sequencing Project, indicating it is not a common benign variant in these populations. The V804I variant is a conservative amino acid substitution, which is not likely to impact secondary protein structure as these residues share similar properties. This substitution occurs at a position where amino acids with similar properties to Valine are tolerated across species. In silico analysis is inconsistent in its predictions as to whether or not the variant is damaging to the protein structure/function. We interpret V804I as a variant of unknown significance. This variant was found in FLNA

NM_001110556.2(FLNA):c.2410G>A (p.Val804Ile)

Gene: FLNA (filamin A; minus strand). Cytogenetic location: Xq28.
Variant type: single nucleotide variant.
Coding change: c.2410G>A on transcript NM_001110556.2 (MANE Select); coding-DNA position 2410, G replaced by A.
Protein change: p.Val804Ile; replaces valine 804 with isoleucine.
Molecular consequence: missense variant.
Genome position (GRCh38, 1-based): chrX:154,362,573, C>T on the plus strand (G>A on the coding strand, the complement: FLNA is on the minus strand). VCF-style: chrX-154362573-C-T. GRCh37 (hg19) VCF-style: chrX-153590941-C-T.
Other names: p.V804I:GTC>ATC; c.2410G>A, p.Val804Ile (NM_001456.4); short protein forms V804I.
Identifiers: ClinVar variation 213502 (VCV000213502.12), dbSNP rs374130804, ClinGen allele CA325253.